The following is an entry in ClinVar:

ClinVar aggregate classification (germline): Conflicting classifications of pathogenicity. Review status: criteria provided, conflicting classifications (1 of 4 stars). 2 submissions from 2 submitters: Uncertain significance (1); Likely benign (1). Last evaluated 2022-12-27.

Conditions:
ACSL4-related disorder. Also called: ACSL4-related condition.
Inborn genetic diseases. Identifiers: MedGen C0950123, MeSH D030342.

Allele frequency attached by ClinVar (database versions not stated): gnomAD exomes 0.00003; ExAC 0.00007; ESP Exome Variant Server 0.00009; TOPMed 0.00019; gnomAD 0.00020.
gnomAD v4.1: 52 of 1,207,780 alleles (0.0043%); highest among the groups gnomAD compares: African/African-American, 0.082%; no homozygotes.

Submissions (3):

PreventionGenetics, part of Exact Sciences
Classification: Uncertain significance for ACSL4-related condition. Last evaluated: 2022-12-27. Review status: criteria provided, single submitter. Criteria: ACMG Guidelines, 2015. Collection method: clinical testing. Allele origin: germline.
Comment: The ACSL4 c.1631A>G variant is predicted to result in the amino acid substitution p.Asp544Gly. To our knowledge, this variant has not been reported in the literature. This variant is reported in 0.063% of alleles in individuals of African descent in gnomAD. At this time, the clinical significance of this variant is uncertain due to the absence of conclusive functional and genetic evidence.

Ambry Genetics
Classification: Likely benign for Inborn genetic diseases. Last evaluated: 2022-02-09. Review status: criteria provided, single submitter. Criteria: Ambry Variant Classification Scheme 2023. Collection method: clinical testing. Allele origin: germline.

Dr. Peter K. Rogan Lab, Western University
No classification provided (evidence only). Condition: Thyroid cancer, nonmedullary, 1. Review status: no classification provided. Collection method: in vitro. Allele origin: not applicable. Functional consequence: retained intron. Not counted in ClinVar's aggregate classification.

NM_001318510.2(ACSL4):c.1508A>G (p.Asp503Gly)

Gene: ACSL4 (acyl-CoA synthetase long chain family member 4; minus strand). Cytogenetic location: Xq23.
Variant type: single nucleotide variant.
Coding change: c.1508A>G on transcript NM_001318510.2 (MANE Select); coding-DNA position 1508, A replaced by G.
Protein change: p.Asp503Gly; replaces aspartic acid 503 with glycine.
Molecular consequence: missense variant.
Genome position (GRCh38, 1-based): chrX:109,663,285, T>C on the plus strand (A>G on the coding strand, the complement: ACSL4 is on the minus strand). VCF-style: chrX-109663285-T-C. GRCh37 (hg19) VCF-style: chrX-108906514-T-C.
Other names: NC_000023.10:g.108906514T>C; c.1631A>G (NM_022977.2); c.1631A>G, p.Asp544Gly (NM_001318509.2, NM_022977.3); c.1508A>G, p.Asp503Gly (NM_004458.3); short protein forms D503G, D544G.
Identifiers: ClinVar variation 2204097 (VCV002204097.4), dbSNP rs148996116, ClinGen allele CA10491001.